The following is an entry in ClinVar:

ClinVar aggregate classification (germline): Likely pathogenic (1 of 4 stars; one submission).

Conditions:
Testicular anomalies with or without congenital heart disease (TACHD). Identifiers: Orphanet 251510, MedGen C3809858, MONDO:0014239, OMIM 615542.
Tetralogy of Fallot (TOF). Identifiers: Orphanet 3303, MedGen C0039685, MONDO:0008542, OMIM 187500, HP:0001636.
Atrioventricular septal defect 4 (AVSD4). Identifiers: MedGen C3280781, MONDO:0013747, OMIM 614430.
Atrial septal defect 2 (ASD2). Identifiers: Orphanet 1478, MedGen C1842778, MONDO:0011938, OMIM 607941.
Ventricular septal defect 1 (VSD1). Identifiers: MedGen C3280777, MONDO:0013746, OMIM 614429.

Submission:

Juno Genomics, Hangzhou Juno Genomics, Inc
Classification: Likely pathogenic for Testicular anomalies with or without congenital heart disease; Atrial septal defect 2; Atrioventricular septal defect 4; Tetralogy of Fallot; Ventricular septal defect 1. Review status: criteria provided, single submitter. Criteria: ACMG Guidelines, 2015. Collection method: clinical testing. Allele origin: germline.
Comment: Null variant in a gene where loss of function (LOF) is a known mechanism of disease.;Absent from controls (or at extremely low frequency if recessive) in Genome Aggregation Database.

NM_001308093.3(GATA4):c.1001-1G>C

Gene: GATA4 (GATA binding protein 4). Cytogenetic location: 8p23.1.
Variant type: single nucleotide variant.
Coding change: c.1001-1G>C on transcript NM_001308093.3 (MANE Select); the canonical splice acceptor site of the intron before coding-DNA position 1001, G replaced by C.
Molecular consequence: splice acceptor variant.
Genome position (GRCh38, 1-based): chr8:11,756,934, G>C. VCF-style: chr8-11756934-G-C. GRCh37 (hg19) VCF-style: chr8-11614443-G-C.
Other names: c.380-1G>C (NM_001308094.2, NM_001374273.1); c.998-1G>C (NM_002052.5); c.254-1G>C (NM_001374274.1).
Identifiers: ClinVar variation 5007266 (VCV005007266.2).
Genomic context (GRCh38, chr8:11,756,934, plus strand): 5'-CTGCCGGCTGTTCGTTTGTCCCTGCCGCTGATTTGGGTGTGCTGACTCTGCTTCATTCCA[G>C]CTCCTTCAGGCAGTGAGAGCCTTCCTCCCGCCAGCGGTGCTTCCAGCAACTCCAGCAACG-3'